The following is an entry in ClinVar:

ClinVar aggregate classification (germline): Likely benign (0 of 4 stars; one submission).

Conditions:
PIK3R2-related disorder. Also called: PIK3R2-related condition.

Submission:

PreventionGenetics, part of Exact Sciences
Classification: Likely benign for PIK3R2-related condition. Last evaluated: 2023-11-08. Review status: no assertion criteria provided. Collection method: clinical testing. Allele origin: germline.
Comment: This variant is classified as likely benign based on ACMG/AMP sequence variant interpretation guidelines (Richards et al. 2015 PMID: 25741868, with internal and published modifications).

NM_005027.4(PIK3R2):c.693C>G (p.Arg231=)

Genes: PIK3R2 (phosphoinositide-3-kinase regulatory subunit 2; plus strand), LOC130063979 (ATAC-STARR-seq lymphoblastoid silent region 10375; plus strand). Cytogenetic location: 19p13.11.
Variant type: single nucleotide variant.
Coding change: c.693C>G on transcript NM_005027.4 (MANE Select); coding-DNA position 693, C replaced by G.
Protein change: p.Arg231=; no amino-acid change (arginine 231 retained).
Molecular consequence: synonymous variant. On other transcripts: non-coding transcript variant (1).
Genome position (GRCh38, 1-based): chr19:18,161,373, C>G. VCF-style: chr19-18161373-C-G. GRCh37 (hg19) VCF-style: chr19-18272183-C-G.
Identifiers: ClinVar variation 3030412 (VCV003030412.2), dbSNP rs1442098960, ClinGen allele CA506108677.